The following is an entry in ClinVar:

ClinVar aggregate classification (germline): Pathogenic/Likely pathogenic. Review status: criteria provided, multiple submitters, no conflicts (2 of 4 stars). 4 submissions from 4 submitters: Pathogenic (3); Likely pathogenic (1). Last evaluated 2025-11-19.

Conditions:
Renal cell carcinoma. Identifiers: Orphanet 217071, MedGen C0007134, MeSH D002292, MONDO:0005086, HP:0005584.
Hereditary cancer-predisposing syndrome. Also called: Hereditary neoplastic syndrome; Neoplastic Syndromes, Hereditary; Tumor predisposition; Hereditary Cancer Syndrome. Identifiers: Orphanet 140162, MedGen C0027672, MeSH D009386, MONDO:0015356.
Papillary renal cell carcinoma type 1 (RCCP1). Also called: Renal adenocarcinoma; Renal cell carcinoma 1; Renal cell carcinoma, somatic; RENAL CELL CARCINOMA, PAPILLARY, 1, SOMATIC. Identifiers: Orphanet 47044, MedGen C1336839, OMIM 605074, HP:0011797.

Allele frequency attached by ClinVar (database versions not stated): gnomAD 0.00001.
gnomAD v4.1: 1 of 1,613,718 alleles (0.000062%); highest among the groups gnomAD compares: Non-Finnish European, 0.000085%; no homozygotes.

Submissions (4):

Ambry Genetics
Classification: Pathogenic for Hereditary cancer-predisposing syndrome. Last evaluated: 2025-11-19. Review status: criteria provided, single submitter. Criteria: Ambry Variant Classification Scheme 2023. Collection method: clinical testing. Allele origin: germline.
Comment: The p.V1110I pathogenic mutation (also known as c.3328G>A), located in coding exon 15 of the MET gene, results from a G to A substitution at nucleotide position 3328. The valine at codon 1110 is replaced by isoleucine, an amino acid with highly similar properties. This variant was reported in individuals with features consistent with hereditary papillary renal carcinoma (HPRC) and has been found to segregate with disease in several families (Olivero M, Int. J. Cancer 1999 Aug; 82(5):640-3; Schmidt LS, J. Urol. 2004 Oct; 172(4 Pt 1):1256-61; Lubensky IA, Am. J. Pathol. 1999 Aug; 155(2):517-26). Functional studies suggest this variant increases tyrosine kinase activity and confers cell transformation properties (Olivero M, Int. J. Cancer 1999 Aug; 82(5):640-3). In addition, this alteration is predicted to be deleterious by in silico analysis. Based on the supporting evidence, this variant is interpreted as a disease-causing mutation.

Labcorp Genetics (formerly Invitae), Labcorp
Classification: Pathogenic for Renal cell carcinoma. Last evaluated: 2024-03-16. Review status: criteria provided, single submitter. Criteria: Invitae Variant Classification Sherloc (09022015). Collection method: clinical testing. Allele origin: germline.
Comment: This sequence change replaces valine, which is neutral and non-polar, with isoleucine, which is neutral and non-polar, at codon 1110 of the MET protein (p.Val1110Ile). This variant is present in population databases (rs786202724, gnomAD 0.007%). This missense change has been observed in individual(s) with hereditary papillary renal cell carcinoma (PMID: 10417759, 10433944, 15371818, 22717761, 24658158). It has also been observed to segregate with disease in related individuals. This variant is also known as V1092I, c.3522G>A. ClinVar contains an entry for this variant (Variation ID: 186141). Advanced modeling of protein sequence and biophysical properties (such as structural, functional, and spatial information, amino acid conservation, physicochemical variation, residue mobility, and thermodynamic stability) performed at Invitae indicates that this missense variant is expected to disrupt MET protein function with a positive predictive value of 80%. Experimental studies have shown that this missense change affects MET function (PMID: 10417759). For these reasons, this variant has been classified as Pathogenic.

Department of Pathology and Laboratory Medicine, Sinai Health System
Classification: Likely pathogenic for Papillary renal cell carcinoma type 1. Last evaluated: 2023-01-26. Review status: criteria provided, single submitter. Criteria: ACMG Guidelines, 2015. Collection method: clinical testing. Allele origin: germline. Affected: yes.

Mendelics
Classification: Pathogenic for Renal cell carcinoma, papillary, 1. Last evaluated: 2018-07-02. Review status: criteria provided, single submitter. Criteria: Mendelics Assertion Criteria 2017. Collection method: clinical testing. Allele origin: unknown.

Literature cited by the submitters: PubMed 10417759 (cited by 3 submitters); PubMed 10433944 (cited by 3 submitters); PubMed 11927612 (cited by Ambry Genetics); PubMed 15371818 (cited by 3 submitters); PubMed 22717761 (cited by Labcorp Genetics (formerly Invitae), Labcorp); PubMed 24658158 (cited by Labcorp Genetics (formerly Invitae), Labcorp).

NM_000245.4(MET):c.3274G>A (p.Val1092Ile)

Gene: MET (MET proto-oncogene, receptor tyrosine kinase; plus strand). Cytogenetic location: 7q31.2.
Variant type: single nucleotide variant.
Coding change: c.3274G>A on transcript NM_000245.4 (MANE Select); coding-DNA position 3274, G replaced by A.
Protein change: p.Val1092Ile; replaces valine 1092 with isoleucine.
Molecular consequence: missense variant.
Genome position (GRCh38, 1-based): chr7:116,777,403, G>A. VCF-style: chr7-116777403-G-A. GRCh37 (hg19) VCF-style: chr7-116417457-G-A.
Other names: c.3328G>A, p.Val1110Ile (NM_001127500.3); c.1984G>A, p.Val662Ile (NM_001324402.2); short protein forms V1110I, V1092I, V662I.
Identifiers: ClinVar variation 186141 (VCV000186141.18), dbSNP rs786202724, ClinGen allele CA193972.
Genomic context (GRCh38, chr7:116,777,403, plus strand): 5'-TAATTAAATGTTACGCAGTGCTAACCAAGTTCTTTCTTTTGCACAGGGCATTTTGGTTGT[G>A]TATATCATGGGACTTTGTTGGACAATGATGGCAAGAAAATTCACTGTGCTGTGAAATCCT-3'
Protein context (NP_000236.2, residues 1082-1102): EVIGRGHFGC[Val1092Ile]YHGTLLDNDG